The following is an entry in ClinVar:

NC_000011.10:g.278404G>A

Gene: NLRP6 (NLR family pyrin domain containing 6; plus strand). Cytogenetic location: 11p15.5.
Variant type: single nucleotide variant.
Genome position: GRCh38 VCF-style: chr11-278404-G-A. GRCh37 (hg19) VCF-style: chr11-278404-G-A.
Identifiers: ClinVar variation 102950 (VCV000102950.2), dbSNP rs199475788, ClinGen allele CA229913.

ClinVar aggregate classification (germline): not provided (0 of 4 stars; one submission).

Allele frequency attached by ClinVar (database versions not stated): gnomAD exomes 0.00003; gnomAD 0.00007; TOPMed 0.00009.

Submission:

Human Evolutionary Genetics, Institut Pasteur
No classification provided. Review status: no classification provided. Collection method: not provided. Allele origin: germline.
ClinVar note: Converted during submission from untested to not provided.